The following is an entry in ClinVar:

ClinVar aggregate classification (germline): Uncertain significance. Review status: criteria provided, multiple submitters, no conflicts (2 of 4 stars). 2 submissions from 2 submitters: Uncertain significance (2). Last evaluated 2025-04-12.

Conditions:
Inborn genetic diseases. Identifiers: MedGen C0950123, MeSH D030342.

Allele frequency attached by ClinVar (database versions not stated): gnomAD exomes below 0.00001.
gnomAD v4.1: 1 of 1,485,026 alleles (0.000067%); highest among the groups gnomAD compares: Non-Finnish European, 0.000089%; no homozygotes.

Submissions (2):

Ambry Genetics
Classification: Uncertain significance for Inborn genetic diseases. Last evaluated: 2025-04-12. Review status: criteria provided, single submitter. Criteria: Ambry Variant Classification Scheme 2023. Collection method: clinical testing. Allele origin: germline.

Labcorp Genetics (formerly Invitae), Labcorp
Classification: Uncertain significance. Last evaluated: 2022-10-11. Review status: criteria provided, single submitter. Criteria: Invitae Variant Classification Sherloc (09022015). Collection method: clinical testing. Allele origin: germline.
Comment: This variant has not been reported in the literature in individuals affected with GRIN2D-related conditions. This variant is not present in population databases (gnomAD no frequency). This sequence change replaces glycine, which is neutral and non-polar, with valine, which is neutral and non-polar, at codon 1304 of the GRIN2D protein (p.Gly1304Val). Advanced modeling of protein sequence and biophysical properties (such as structural, functional, and spatial information, amino acid conservation, physicochemical variation, residue mobility, and thermodynamic stability) performed at Invitae indicates that this missense variant is not expected to disrupt GRIN2D protein function. In summary, the available evidence is currently insufficient to determine the role of this variant in disease. Therefore, it has been classified as a Variant of Uncertain Significance.

NM_000836.4(GRIN2D):c.3911G>T (p.Gly1304Val)

Gene: GRIN2D (glutamate ionotropic receptor NMDA type subunit 2D; plus strand). Cytogenetic location: 19q13.33.
Variant type: single nucleotide variant.
Coding change: c.3911G>T on transcript NM_000836.4 (MANE Select); coding-DNA position 3911, G replaced by T.
Protein change: p.Gly1304Val; replaces glycine 1304 with valine.
Molecular consequence: missense variant.
Genome position (GRCh38, 1-based): chr19:48,443,837, G>T. VCF-style: chr19-48443837-G-T. GRCh37 (hg19) VCF-style: chr19-48947094-G-T.
Other names: c.3911G>T (NM_000836.2); short protein forms G1304V.
Identifiers: ClinVar variation 1721406 (VCV001721406.6), dbSNP rs2513694399, ClinGen allele CA406678950.